The following is an entry in ClinVar:

NM_000138.5(FBN1):c.3082+6A>G

Gene: FBN1 (fibrillin 1; minus strand). Cytogenetic location: 15q21.1.
Variant type: single nucleotide variant.
Coding change: c.3082+6A>G on transcript NM_000138.5 (MANE Select); 6 bases into the intron after coding-DNA position 3082, A replaced by G.
Molecular consequence: intron variant.
Genome position (GRCh38, 1-based): chr15:48,489,845, T>C on the plus strand (A>G on the coding strand, the complement: FBN1 is on the minus strand). VCF-style: chr15-48489845-T-C. GRCh37 (hg19) VCF-style: chr15-48782042-T-C.
Other names: p.?.
Identifiers: ClinVar variation 137304 (VCV000137304.39), dbSNP rs79321504, ClinGen allele CA013765.

ClinVar aggregate classification (germline): Benign/Likely benign. Review status: criteria provided, multiple submitters, no conflicts (2 of 4 stars). 19 submissions from 13 submitters: Benign (14); Likely benign (2). 3 of the submissions do not count toward it. Last evaluated 2026-02-02.

Conditions:
Ectopia lentis 1, isolated, autosomal dominant (ECTOL1). Identifiers: Orphanet 1885, MedGen C3541518, MONDO:0007514, OMIM 129600.
Marfan syndrome (MFS). Also called: FBN1-Related Marfan Syndrome; MARFAN SYNDROME, TYPE I; Marfan syndrome, classic; Marfan syndrome type 1; Marfan's syndrome. Identifiers: Orphanet 284963, Orphanet 558, MedGen C0024796, MONDO:0007947, OMIM 154700.
Stiff skin syndrome (SSKS). Identifiers: Orphanet 2833, MedGen C1861456, MONDO:0008492, OMIM 184900.
Weill-Marchesani syndrome 2, dominant. Also called: FBN1-Related Weill-Marchesani Syndrome; Weill-Marchesani Syndrome, Autosomal Dominant. Identifiers: Orphanet 2084, MedGen C1869115, MONDO:0012013, OMIM 608328.
MASS syndrome (OCTD). Also called: MASS PHENOTYPE; OVERLAP CONNECTIVE TISSUE DISEASE. Identifiers: MedGen C1858556, MONDO:0011431, OMIM 604308.
Progeroid and marfanoid aspect-lipodystrophy syndrome. Also called: MARFANOID-PROGEROID SYNDROME; MARFAN-PROGEROID-LIPODYSTROPHY SYNDROME; Marfan lipodystrophy syndrome; MARFANOID-PROGEROID-LIPODYSTROPHY SYNDROME. Identifiers: Orphanet 300382, MedGen C4310796, MONDO:0014831, OMIM 616914.
Acromicric dysplasia (ACMICD). Also called: Acromicric skeletal dysplasia. Identifiers: Orphanet 969, MedGen C0265287, MONDO:0007055, OMIM 102370.
Geleophysic dysplasia 2 (GPHYSD2). Identifiers: Orphanet 2623, MedGen C3280054, MONDO:0013612, OMIM 614185.
Geleophysic dysplasia. Identifiers: Orphanet 2623, MedGen C3489726, MONDO:0000127.
Weill-Marchesani syndrome. Also called: WM Syndrome; Mesodermal dysmorphodystrophy congenital. Identifiers: Orphanet 3449, MedGen C0265313, MONDO:0018096.
Familial thoracic aortic aneurysm and aortic dissection (TAAD). Also called: Thoracic aortic aneurysms and dissections. Identifiers: Orphanet 91387, MedGen C4707243, MONDO:0019625.

Allele frequency attached by ClinVar (database versions not stated): gnomAD exomes 0.00322 and 0.00116; ExAC 0.00397; ESP Exome Variant Server 0.01532; 1000 Genomes Project 30x 0.01921; gnomAD 0.01329 and 0.01406; TOPMed 0.01469; 1000 Genomes Project 0.01737.
gnomAD v4.1: 3,751 of 1,613,018 alleles (0.23%); highest among the groups gnomAD compares: African/African-American, 4.6%; 83 homozygotes.

Submissions (19):

Labcorp Genetics (formerly Invitae), Labcorp
Classification: Benign for Marfan syndrome; Familial thoracic aortic aneurysm and aortic dissection. Last evaluated: 2026-02-02. Review status: criteria provided, single submitter. Criteria: Invitae Variant Classification Sherloc (09022015). Collection method: clinical testing. Allele origin: germline.

ARUP Laboratories, Molecular Genetics and Genomics, ARUP Laboratories
Classification: Benign. Last evaluated: 2025-04-27. Review status: criteria provided, single submitter. Criteria: ARUP Molecular Germline Variant Investigation Process 2024. Collection method: clinical testing. Allele origin: germline.

Molecular Diagnostic Laboratory for Inherited Cardiovascular Disease, Montreal Heart Institute
Classification: Likely benign. Last evaluated: 2025-04-09. Review status: criteria provided, single submitter. Criteria: ACMG Guidelines, 2015. Collection method: clinical testing. Allele origin: germline. Affected: no.
Comment: BS1;PM6

Fulgent Genetics
Classification: Likely benign for Acromicric dysplasia; Ectopia lentis 1, isolated, autosomal dominant; Marfan syndrome; Stiff skin syndrome; MASS syndrome; Weill-Marchesani syndrome 2, dominant; Geleophysic dysplasia 2; Progeroid and marfanoid aspect-lipodystrophy syndrome. Last evaluated: 2021-07-27. Review status: criteria provided, single submitter. Criteria: ACMG Guidelines, 2015. Collection method: clinical testing. Allele origin: unknown.

Color Diagnostics, LLC DBA Color Health
Classification: Benign for Familial thoracic aortic aneurysm and aortic dissection. Last evaluated: 2018-03-09. Review status: criteria provided, single submitter. Criteria: ACMG Guidelines, 2015. Collection method: clinical testing. Allele origin: germline.

Illumina Laboratory Services, Illumina
Classification: Benign for Stiff skin syndrome. Last evaluated: 2018-01-13. Review status: criteria provided, single submitter. Criteria: ICSL Variant Classification Criteria 13 December 2019. Collection method: clinical testing. Allele origin: germline.
Comment: This variant was observed in the ICSL laboratory as part of a predisposition screen in an ostensibly healthy population. It had not been previously curated by ICSL or reported in the Human Gene Mutation Database (HGMD: prior to June 1st, 2018), and was therefore a candidate for classification through an automated scoring system. Utilizing variant allele frequency, disease prevalence and penetrance estimates, and inheritance mode, an automated score was calculated to assess if this variant is too frequent to cause the disease. Based on the score and internal cut-off values, a variant classified as benign is not then subjected to further curation. The score for this variant resulted in a classification of benign for this disease.

Illumina Laboratory Services, Illumina
Classification: Benign for Acromicric dysplasia. Last evaluated: 2018-01-13. Review status: criteria provided, single submitter. Criteria: ICSL Variant Classification Criteria 13 December 2019. Collection method: clinical testing. Allele origin: germline.
Comment: the same text as in the submission from Illumina Laboratory Services, Illumina above.

Illumina Laboratory Services, Illumina
Classification: Benign for Weill-Marchesani syndrome. Last evaluated: 2018-01-13. Review status: criteria provided, single submitter. Criteria: ICSL Variant Classification Criteria 13 December 2019. Collection method: clinical testing. Allele origin: germline.
Comment: the same text as in the submission from Illumina Laboratory Services, Illumina above.

Illumina Laboratory Services, Illumina
Classification: Benign for Familial thoracic aortic aneurysm and aortic dissection. Last evaluated: 2018-01-13. Review status: criteria provided, single submitter. Criteria: ICSL Variant Classification Criteria 13 December 2019. Collection method: clinical testing. Allele origin: germline.
Comment: the same text as in the submission from Illumina Laboratory Services, Illumina above.

Illumina Laboratory Services, Illumina
Classification: Benign for Ectopia lentis 1, isolated, autosomal dominant. Last evaluated: 2018-01-13. Review status: criteria provided, single submitter. Criteria: ICSL Variant Classification Criteria 13 December 2019. Collection method: clinical testing. Allele origin: germline.
Comment: the same text as in the submission from Illumina Laboratory Services, Illumina above.

Illumina Laboratory Services, Illumina
Classification: Benign for Geleophysic dysplasia. Last evaluated: 2018-01-13. Review status: criteria provided, single submitter. Criteria: ICSL Variant Classification Criteria 13 December 2019. Collection method: clinical testing. Allele origin: germline.
Comment: the same text as in the submission from Illumina Laboratory Services, Illumina above.

Illumina Laboratory Services, Illumina
Classification: Benign for Marfan syndrome. Last evaluated: 2018-01-13. Review status: criteria provided, single submitter. Criteria: ICSL Variant Classification Criteria 13 December 2019. Collection method: clinical testing. Allele origin: germline.
Comment: the same text as in the submission from Illumina Laboratory Services, Illumina above.

Center for Pediatric Genomic Medicine, Children's Mercy Hospital and Clinics
Classification: Benign. Last evaluated: 2017-05-03. Review status: criteria provided, single submitter. Criteria: ACMG Guidelines, 2015. Collection method: clinical testing. Allele origin: germline.

Mayo Clinic Laboratories, Mayo Clinic
Classification: Benign. Last evaluated: 2015-07-30. Review status: criteria provided, single submitter. Criteria: ACMG Guidelines, 2015. Collection method: clinical testing. Allele origin: germline. Observed: 8 variant alleles.

Laboratory for Molecular Medicine, Mass General Brigham Personalized Medicine
Classification: Benign. Last evaluated: 2014-08-18. Review status: criteria provided, single submitter. Criteria: LMM Criteria. Collection method: clinical testing. Allele origin: germline. Observed: 6 variant alleles.
Comment: 3082+6A>G in Intron 24 of FBN1: This variant is not expected to have clinical si gnificance because it has been identified in 4.5% (199/4396) of African American chromosomes from a broad population by the NHLBI Exome Sequencing Project (dbSNP rs79321504).

GeneDx
Classification: Benign. Last evaluated: 2014-01-18. Review status: criteria provided, single submitter. Criteria: GeneDx Variant Classification (06012015). Collection method: clinical testing. Allele origin: germline. Affected: yes.
Comment: This variant is considered likely benign or benign based on one or more of the following criteria: it is a conservative change, it occurs at a poorly conserved position in the protein, it is predicted to be benign by multiple in silico algorithms, and/or has population frequency not consistent with disease.

Genome Diagnostics Laboratory, Amsterdam University Medical Center
Classification: Benign. Review status: no assertion criteria provided. Collection method: clinical testing. Allele origin: germline. Affected: yes. Study: VKGL Data-share Consensus. Not counted in ClinVar's aggregate classification.

Genome Diagnostics Laboratory, University Medical Center Utrecht
Classification: Benign. Review status: no assertion criteria provided. Collection method: clinical testing. Allele origin: germline. Affected: yes. Study: VKGL Data-share Consensus. Not counted in ClinVar's aggregate classification.

Laboratory of Diagnostic Genome Analysis, Leiden University Medical Center (LUMC)
Classification: Benign. Review status: no assertion criteria provided. Collection method: clinical testing. Allele origin: germline. Affected: yes. Study: VKGL Data-share Consensus. Not counted in ClinVar's aggregate classification.